The following is an entry in ClinVar:

NM_000535.7(PMS2):c.54del (p.Ile18fs)

Gene: PMS2 (PMS1 homolog 2, mismatch repair system component; minus strand). Cytogenetic location: 7p22.1.
Variant type: Deletion.
Coding change: c.54del on transcript NM_000535.7 (MANE Select); coding-DNA position 54, one base deleted (T; older notation c.54delT).
Protein change: p.Ile18fs; shifts the reading frame from isoleucine 18.
Molecular consequence: frameshift variant. On other transcripts: 5 prime UTR variant (8), non-coding transcript variant (1), intron variant (3).
Genome position (GRCh38, 1-based): chr7:6,006,001, A deleted on the plus strand (T on the coding strand, the reverse complement: PMS2 is on the minus strand); the first of 2 consecutive A bases (chr7:6,006,001-6,006,002); deleting either gives the same sequence. VCF-style (leftmost placement, unchanged base first): chr7-6006000-CA-C. GRCh37 (hg19) VCF-style: chr7-6045631-CA-C.
Other names: c.-353delT (NM_001018040.1, NM_001406887.1, NM_001406891.1 and 7 more transcripts); c.-352del (NM_001322003.2, NM_001322005.2, NM_001322009.2 and 1 more transcripts); c.54del, p.Ile18fs (NM_001322006.2, NM_001322014.2); c.-162del (NM_001322007.2); c.-831del (NM_001322011.2, NM_001322012.2); c.-431del (NM_001322015.2); c.239delT, p.Ile80Metfs (NM_001406866.1); c.53delT, p.Ile18Metfs (NM_001406868.1, NM_001406869.1, NM_001406870.1 and 8 more transcripts); and 8 more; short protein forms I18fs.
Identifiers: ClinVar variation 1994070 (VCV001994070.5), dbSNP rs2536591821, ClinGen allele CA2580077208.

ClinVar aggregate classification (germline): Pathogenic. Review status: criteria provided, multiple submitters, no conflicts (2 of 4 stars). 2 submissions from 2 submitters: Pathogenic (2). Last evaluated 2025-11-26.

Conditions:
Hereditary nonpolyposis colorectal neoplasms. Identifiers: MedGen C0009405, MeSH D003123.
Lynch syndrome 4 (LYNCH4). Also called: Colorectal cancer, hereditary nonpolyposis, type 4; Hereditary non-polyposis colorectal cancer, type 4. Identifiers: Orphanet 144, MedGen C1838333, MONDO:0013699, OMIM 614337. Disease mechanism: loss of function.

Submissions (2):

Myriad Genetics, Inc.
Classification: Pathogenic for Lynch syndrome 4. Last evaluated: 2025-11-26. Review status: criteria provided, single submitter. Criteria: Myriad Autosomal Dominant, Autosomal Recessive and X-Linked Classification Criteria (2023). Collection method: clinical testing. Allele origin: unknown.
Comment: This variant is considered pathogenic. This variant creates a frameshift predicted to result in premature protein truncation.

Labcorp Genetics (formerly Invitae), Labcorp
Classification: Pathogenic for Hereditary nonpolyposis colorectal neoplasms. Last evaluated: 2022-07-14. Review status: criteria provided, single submitter. Criteria: Invitae Variant Classification Sherloc (09022015). Collection method: clinical testing. Allele origin: germline.
Comment: This sequence change creates a premature translational stop signal (p.Ile18Metfs*16) in the PMS2 gene. It is expected to result in an absent or disrupted protein product. Loss-of-function variants in PMS2 are known to be pathogenic (PMID: 21376568, 24362816). This variant is not present in population databases (gnomAD no frequency). This variant has not been reported in the literature in individuals affected with PMS2-related conditions. For these reasons, this variant has been classified as Pathogenic.

Literature cited by the submitters: PubMed 21376568 (cited by Labcorp Genetics (formerly Invitae), Labcorp); PubMed 24362816 (cited by Labcorp Genetics (formerly Invitae), Labcorp).